The following is an entry in ClinVar:

ClinVar aggregate classification (germline): Likely pathogenic (1 of 4 stars; one submission).

Conditions:
Catecholaminergic polymorphic ventricular tachycardia 1. Also called: RYR2-Related Catecholaminergic Polymorphic Ventricular Tachycardia; VENTRICULAR TACHYCARDIA, CATECHOLAMINERGIC POLYMORPHIC, 1, WITH OR WITHOUT ATRIAL DYSFUNCTION AND/OR DILATED CARDIOMYOPATHY; VENTRICULAR TACHYCARDIA, STRESS-INDUCED POLYMORPHIC 1. Identifiers: Orphanet 3286, MedGen C1631597, MONDO:0011484, OMIM 604772.

Submission:

Labcorp Genetics (formerly Invitae), Labcorp
Classification: Likely pathogenic for Catecholaminergic polymorphic ventricular tachycardia 1. Last evaluated: 2018-05-14. Review status: criteria provided, single submitter. Criteria: Invitae Variant Classification Sherloc (09022015). Collection method: clinical testing. Allele origin: germline.
Comment: In summary, the currently available evidence indicates that the variant is pathogenic, but additional data are needed to prove that conclusively. Therefore, this variant has been classified as Likely Pathogenic. Algorithms developed to predict the effect of missense changes on protein structure and function (SIFT, PolyPhen-2, Align-GVGD) all suggest that this variant is likely to be disruptive, but these predictions have not been confirmed by published functional studies and their clinical significance is uncertain. This variant is not present in population databases (ExAC no frequency). This sequence change replaces glycine with valine at codon 4180 of the RYR2 protein (p.Gly4180Val). The glycine residue is highly conserved and there is a moderate physicochemical difference between glycine and valine.

NM_001035.3(RYR2):c.12539G>T (p.Gly4180Val)

Genes: RYR2 (ryanodine receptor 2; plus strand), LOC126806068 (BRD4-independent group 4 enhancer GRCh37_chr1:237947411-237948610; plus strand). Cytogenetic location: 1q43.
Variant type: single nucleotide variant.
Coding change: c.12539G>T on transcript NM_001035.3 (MANE Select); coding-DNA position 12539, G replaced by T.
Protein change: p.Gly4180Val; replaces glycine 4180 with valine.
Molecular consequence: missense variant.
Genome position (GRCh38, 1-based): chr1:237,784,251, G>T. VCF-style: chr1-237784251-G-T. GRCh37 (hg19) VCF-style: chr1-237947551-G-T.
Other names: c.12539G>T, p.Gly4180Val (LRG_402t1); short protein forms G4180V.
Identifiers: ClinVar variation 570194 (VCV000570194.10), dbSNP rs1558405816, ClinGen allele CA345413580.